The following is an entry in ClinVar:

ClinVar aggregate classification (germline): Conflicting classifications of pathogenicity. Review status: criteria provided, conflicting classifications (1 of 4 stars). 4 submissions from 4 submitters: Uncertain significance (3); Likely benign (1). Last evaluated 2024-09-19.

Conditions:
Breast-ovarian cancer, familial, susceptibility to, 1 (BROVCA1). Also called: BRCA1 Hereditary Breast and Ovarian Cancer; OVARIAN CANCER, SUSCEPTIBILITY TO. Identifiers: Orphanet 145, MedGen C2676676, MONDO:0011450, OMIM 604370. Disease mechanism: loss of function.
Hereditary breast ovarian cancer syndrome. Also called: Hereditary breast and ovarian cancer syndrome; Breast and ovarian cancer; Hereditary breast and ovarian cancer syndrome (HBOC); Hereditary breast and/or ovarian cancer syndrome; BRCA1- and BRCA2-Associated Hereditary Breast and Ovarian Cancer; Hereditary breast and ovarian cancer. Identifiers: Orphanet 145, MedGen C0677776, MeSH D061325, MONDO:0003582. Disease mechanism: loss of function.
Hereditary cancer-predisposing syndrome. Also called: Neoplastic Syndromes, Hereditary; Hereditary neoplastic syndrome; Hereditary Cancer Syndrome; Tumor predisposition. Identifiers: Orphanet 140162, MedGen C0027672, MeSH D009386, MONDO:0015356.

Submissions (4):

Labcorp Genetics (formerly Invitae), Labcorp
Classification: Uncertain significance for Hereditary breast ovarian cancer syndrome. Last evaluated: 2024-09-19. Review status: criteria provided, single submitter. Criteria: Invitae Variant Classification Sherloc (09022015). Collection method: clinical testing. Allele origin: germline.
Comment: This sequence change replaces lysine, which is basic and polar, with isoleucine, which is neutral and non-polar, at codon 970 of the BRCA1 protein (p.Lys970Ile). This variant is not present in population databases (gnomAD no frequency). This missense change has been observed in individual(s) with breast cancer (PMID: 22752604). ClinVar contains an entry for this variant (Variation ID: 409365). Invitae Evidence Modeling of protein sequence and biophysical properties (such as structural, functional, and spatial information, amino acid conservation, physicochemical variation, residue mobility, and thermodynamic stability) indicates that this missense variant is not expected to disrupt BRCA1 protein function with a negative predictive value of 95%. In summary, the available evidence is currently insufficient to determine the role of this variant in disease. Therefore, it has been classified as a Variant of Uncertain Significance.

All of Us Research Program, National Institutes of Health
Classification: Uncertain significance for Breast-ovarian cancer, familial, susceptibility to, 1. Last evaluated: 2023-12-13. Review status: criteria provided, single submitter. Criteria: ACMG Guidelines, 2015. Collection method: clinical testing. Allele origin: germline. Inheritance: Autosomal dominant inheritance. Observed: 1 variant allele, 1 heterozygote.
Comment: This missense variant replaces lysine with isoleucine at codon 970 of the BRCA1 protein. Computational prediction is inconclusive regarding the impact of this variant on protein structure and function (internally defined REVEL score threshold 0.5 < inconclusive < 0.7, PMID: 27666373). To our knowledge, functional studies have not been reported for this variant. This variant has not been reported in individuals affected with hereditary cancer in the literature. This variant has not been identified in the general population by the Genome Aggregation Database (gnomAD). The available evidence is insufficient to determine the role of this variant in disease conclusively. Therefore, this variant is classified as a Variant of Uncertain Significance.

This study involves interpretation of variants in research participants for the purpose of population health screening. Participant phenotype was not available at the time of variant classification. Additional details can be found in publication PMID: 35346344, PMCID: PMC8962531

Color Diagnostics, LLC DBA Color Health
Classification: Uncertain significance for Hereditary cancer-predisposing syndrome. Last evaluated: 2023-11-16. Review status: criteria provided, single submitter. Criteria: ACMG Guidelines, 2015. Collection method: clinical testing. Allele origin: germline.
Comment: This missense variant replaces lysine with isoleucine at codon 970 of the BRCA1 protein. Computational prediction is inconclusive regarding the impact of this variant on protein structure and function. To our knowledge, functional studies have not been reported for this variant. This variant has not been reported in individuals affected with hereditary cancer in the literature. This variant has not been identified in the general population by the Genome Aggregation Database (gnomAD). The available evidence is insufficient to determine the role of this variant in disease conclusively. Therefore, this variant is classified as a Variant of Uncertain Significance.

University of Washington Department of Laboratory Medicine, University of Washington
Classification: Likely benign for Hereditary cancer-predisposing syndrome. Last evaluated: 2023-03-23. Review status: criteria provided, single submitter. Criteria: Dines et al. (Genet Med. 2020). Collection method: curation. Allele origin: germline.
Comment: Missense variant in a coldspot region where missense variants are very unlikely to be pathogenic (PMID:31911673).

BRCA1 coldspot (exon 11 using historical exon numbering). Reclassification based on statistical prior probability

Literature cited by the submitters: PubMed 22752604 (cited by Labcorp Genetics (formerly Invitae), Labcorp).

NM_007294.4(BRCA1):c.2909A>T (p.Lys970Ile)

Gene: BRCA1 (BRCA1 DNA repair associated; minus strand). Cytogenetic location: 17q21.31.
Variant type: single nucleotide variant.
Coding change: c.2909A>T on transcript NM_007294.4 (MANE Select); coding-DNA position 2909, A replaced by T.
Protein change: p.Lys970Ile; replaces lysine 970 with isoleucine.
Molecular consequence: missense variant. On other transcripts: intron variant (137).
Genome position (GRCh38, 1-based): chr17:43,092,622, T>A on the plus strand (A>T on the coding strand, the complement: BRCA1 is on the minus strand). VCF-style: chr17-43092622-T-A. GRCh37 (hg19) VCF-style: chr17-41244639-T-A.
Other names: c.2696A>T, p.Lys899Ile (NM_001407571.1, NM_001407898.1, NM_001407899.1 and 9 more transcripts); c.2909A>T, p.Lys970Ile (NM_001407581.1, NM_001407582.1, NM_001407583.1 and 30 more transcripts); c.2906A>T, p.Lys969Ile (NM_001407587.1, NM_001407590.1, NM_001407591.1 and 22 more transcripts); c.2900A>T, p.Lys967Ile (NM_001407647.1, NM_001407646.1); c.2786A>T, p.Lys929Ile (NM_001407648.1, NM_001407668.1, NM_001407669.1 and 19 more transcripts); c.2783A>T, p.Lys928Ile (NM_001407649.1, NM_001407670.1, NM_001407671.1 and 11 more transcripts); c.2831A>T, p.Lys944Ile (NM_001407653.1, NM_001407654.1, NM_001407655.1 and 4 more transcripts); c.2768A>T, p.Lys923Ile (NM_001407692.1, NM_001407694.1, NM_001407695.1 and 29 more transcripts); and 41 more; short protein forms K970I, K923I, K674I, K842I, K843I, K903I, K922I, K902I.
Identifiers: ClinVar variation 409365 (VCV000409365.14), dbSNP rs756559408, ClinGen allele CA10596173.